The following is an entry in ClinVar:

ClinVar aggregate classification (germline): Pathogenic (1 of 4 stars; one submission).

Submission:

Labcorp Genetics (formerly Invitae), Labcorp
Classification: Pathogenic. Last evaluated: 2024-01-26. Review status: criteria provided, single submitter. Criteria: Invitae Variant Classification Sherloc (09022015). Collection method: clinical testing. Allele origin: germline.
Comment: This sequence change creates a premature translational stop signal (p.Ala23Asnfs*66) in the IMPDH1 gene. It is expected to result in an absent or disrupted protein product. Loss-of-function variants in IMPDH1 are known to be pathogenic (PMID: 14981049, 33090715). This variant is present in population databases (no rsID available, gnomAD 0.007%). This variant has not been reported in the literature in individuals affected with IMPDH1-related conditions. For these reasons, this variant has been classified as Pathogenic.

Literature cited by the submitters: PubMed 14981049; PubMed 33090715.

NM_000883.4(IMPDH1):c.66_72del (p.Ala23fs)

Genes: IMPDH1 (inosine monophosphate dehydrogenase 1; minus strand), LOC129999258 (ATAC-STARR-seq lymphoblastoid silent region 18606; plus strand). Cytogenetic location: 7q32.1.
Variant type: Microsatellite.
Coding change: c.66_72del on transcript NM_000883.4 (MANE Select); coding-DNA positions 66 to 72, 7 bases deleted (AGCCCGG; older notation c.66_72delAGCCCGG).
Protein change: p.Ala23fs; shifts the reading frame from alanine 23.
Molecular consequence: frameshift variant.
Genome position (GRCh38, 1-based): chr7:128,409,830-128,409,836, CCGGGCT deleted on the plus strand (AGCCCGG on the coding strand, the reverse complement: IMPDH1 is on the minus strand); deleting any 7 consecutive bases within chr7:128,409,830-128,409,847 gives the same sequence; the c. name uses the placement nearest the transcript's 3' end. VCF-style (leftmost placement, unchanged base first): chr7-128409829-GCCGGGCT-G. GRCh37 (hg19) VCF-style: chr7-128049883-GCCGGGCT-G.
Other names: c.66_72del, p.Ala23fs (NM_001102605.2, NM_001142576.2, NM_001304521.2 and 1 more transcripts); short protein forms A23fs.
Identifiers: ClinVar variation 2900294 (VCV002900294.3), dbSNP rs767123748, ClinGen allele CA578149346.